The following is an entry in ClinVar:

NM_004260.4(RECQL4):c.2437C>T (p.His813Tyr)

Gene: RECQL4 (RecQ like helicase 4; minus strand). Cytogenetic location: 8q24.3.
Variant type: single nucleotide variant.
Coding change: c.2437C>T on transcript NM_004260.4 (MANE Select); coding-DNA position 2437, C replaced by T.
Protein change: p.His813Tyr; replaces histidine 813 with tyrosine.
Molecular consequence: missense variant.
Genome position (GRCh38, 1-based): chr8:144,513,244, G>A on the plus strand (C>T on the coding strand, the complement: RECQL4 is on the minus strand). VCF-style: chr8-144513244-G-A. GRCh37 (hg19) VCF-style: chr8-145738627-G-A.
Other names: short protein forms H813Y.
Identifiers: ClinVar variation 953239 (VCV000953239.7), dbSNP rs945709072, ClinGen allele CA187682257.

ClinVar aggregate classification (germline): Uncertain significance. Review status: criteria provided, multiple submitters, no conflicts (2 of 4 stars). 3 submissions from 3 submitters: Uncertain significance (3). Last evaluated 2024-04-18.

Conditions:
Hereditary cancer-predisposing syndrome. Also called: Neoplastic Syndromes, Hereditary; Tumor predisposition; Hereditary neoplastic syndrome; Hereditary Cancer Syndrome. Identifiers: Orphanet 140162, MedGen C0027672, MeSH D009386, MONDO:0015356.
Baller-Gerold syndrome (BGS). Also called: CRANIOSYNOSTOSIS WITH RADIAL DEFECTS. Identifiers: Orphanet 1225, MedGen C0265308, MONDO:0009039, OMIM 218600.

Allele frequency attached by ClinVar (database versions not stated): gnomAD exomes below 0.00001 and 0.00001; TOPMed below 0.00001; gnomAD 0.00001.
gnomAD v4.1: 5 of 1,587,982 alleles (0.00031%); highest among the groups gnomAD compares: Admixed American, 0.0051%; no homozygotes.

Submissions (3):

Blueprint Genetics
Classification: Uncertain significance. Last evaluated: 2024-04-18. Review status: criteria provided, single submitter. Criteria: ACMG Guidelines, 2015. Collection method: clinical testing. Allele origin: germline.

Labcorp Genetics (formerly Invitae), Labcorp
Classification: Uncertain significance for Baller-Gerold syndrome. Last evaluated: 2024-01-02. Review status: criteria provided, single submitter. Criteria: Invitae Variant Classification Sherloc (09022015). Collection method: clinical testing. Allele origin: germline.
Comment: This sequence change replaces histidine, which is basic and polar, with tyrosine, which is neutral and polar, at codon 813 of the RECQL4 protein (p.His813Tyr). The frequency data for this variant in the population databases is considered unreliable, as metrics indicate poor data quality at this position in the gnomAD database. This variant has not been reported in the literature in individuals affected with RECQL4-related conditions. ClinVar contains an entry for this variant (Variation ID: 953239). Advanced modeling of protein sequence and biophysical properties (such as structural, functional, and spatial information, amino acid conservation, physicochemical variation, residue mobility, and thermodynamic stability) performed at Invitae indicates that this missense variant is not expected to disrupt RECQL4 protein function with a negative predictive value of 80%. In summary, the available evidence is currently insufficient to determine the role of this variant in disease. Therefore, it has been classified as a Variant of Uncertain Significance.

Sema4
Classification: Uncertain significance for Hereditary cancer-predisposing syndrome. Last evaluated: 2021-04-23. Review status: criteria provided, single submitter. Criteria: Sema4 Curation Guidelines. Collection method: curation. Allele origin: germline.
Comment: The RECQL4 c.2437C>T (p.H813Y) variant has not been reported in the literature to our knowledge. This variant was observed in 1/33438 chromosomes of the Latino subpopulation by the Genome Aggregation Database (PMID: 32461654). The variant has been reported in ClinVar (Variation ID 953239). Computational analyses and evolutionary conservation data do not provide strong support for or against an impact to the protein, though these predictions have not been confirmed by published functional studies. The overall evidence is insufficient to meet ACMG/AMP criteria for classifying it as benign or pathogenic. In summary, the clinical significance of this variant is currently uncertain.